The following is an entry in ClinVar:

ClinVar aggregate classification (germline): Conflicting classifications of pathogenicity. Review status: criteria provided, conflicting classifications (1 of 4 stars). 4 submissions from 4 submitters: Uncertain significance (1); Likely benign (2). 1 of the submissions does not count toward it. Last evaluated 2024-08-19.

Conditions:
Hereditary cancer-predisposing syndrome. Also called: Neoplastic Syndromes, Hereditary; Tumor predisposition; Hereditary Cancer Syndrome; Hereditary neoplastic syndrome. Identifiers: Orphanet 140162, MedGen C0027672, MeSH D009386, MONDO:0015356.
Hereditary breast ovarian cancer syndrome. Also called: Hereditary breast and ovarian cancer syndrome; Hereditary breast and ovarian cancer; Hereditary breast and ovarian cancer syndrome (HBOC); Breast and ovarian cancer; Hereditary breast and/or ovarian cancer syndrome; BRCA1- and BRCA2-Associated Hereditary Breast and Ovarian Cancer. Identifiers: Orphanet 145, MedGen C0677776, MeSH D061325, MONDO:0003582. Disease mechanism: loss of function.
Breast-ovarian cancer, familial, susceptibility to, 2 (BROVCA2). Also called: BRCA2 Hereditary Breast and Ovarian Cancer. Identifiers: Orphanet 145, MedGen C2675520, MONDO:0012933, OMIM 612555. Disease mechanism: loss of function.

Submissions (4):

Ambry Genetics
Classification: Likely benign for Hereditary cancer-predisposing syndrome. Last evaluated: 2024-08-19. Review status: criteria provided, single submitter. Criteria: Ambry Variant Classification Scheme 2023. Collection method: clinical testing. Allele origin: germline.

Labcorp Genetics (formerly Invitae), Labcorp
Classification: Uncertain significance for Hereditary breast ovarian cancer syndrome. Last evaluated: 2023-04-22. Review status: criteria provided, single submitter. Criteria: Invitae Variant Classification Sherloc (09022015). Collection method: clinical testing. Allele origin: germline.
Comment: In summary, the available evidence is currently insufficient to determine the role of this variant in disease. Therefore, it has been classified as a Variant of Uncertain Significance. Advanced modeling of protein sequence and biophysical properties (such as structural, functional, and spatial information, amino acid conservation, physicochemical variation, residue mobility, and thermodynamic stability) performed at Invitae indicates that this missense variant is not expected to disrupt BRCA2 protein function. ClinVar contains an entry for this variant (Variation ID: 51101). This missense change has been observed in individual(s) with breast cancer (PMID: 19491284). This variant is not present in population databases (gnomAD no frequency). This sequence change replaces serine, which is neutral and polar, with leucine, which is neutral and non-polar, at codon 442 of the BRCA2 protein (p.Ser442Leu).

University of Washington Department of Laboratory Medicine, University of Washington
Classification: Likely benign for Hereditary cancer-predisposing syndrome. Last evaluated: 2023-03-23. Review status: criteria provided, single submitter. Criteria: Dines et al. (Genet Med. 2020). Collection method: curation. Allele origin: germline.
Comment: Missense variant in a coldspot region where missense variants are very unlikely to be pathogenic (PMID:31911673).

BRCA2 exon 10 coldspot. Reclassification based on statistical prior probability.

Breast Cancer Information Core (BIC) (BRCA2)
Classification: Uncertain significance for Breast-ovarian cancer, familial 2. Last evaluated: 2000-08-16. Review status: no assertion criteria provided. Collection method: clinical testing. Allele origin: germline. Affected: yes. Observed: 1 variant allele. Not counted in ClinVar's aggregate classification.

Literature cited by the submitters: PubMed 19491284 (cited by Labcorp Genetics (formerly Invitae), Labcorp).

NM_000059.4(BRCA2):c.1325C>T (p.Ser442Leu)

Gene: BRCA2 (BRCA2 DNA repair associated; plus strand). Cytogenetic location: 13q13.1.
Variant type: single nucleotide variant.
Coding change: c.1325C>T on transcript NM_000059.4 (MANE Select); coding-DNA position 1325, C replaced by T.
Protein change: p.Ser442Leu; replaces serine 442 with leucine.
Molecular consequence: missense variant.
Genome position (GRCh38, 1-based): chr13:32,332,803, C>T. VCF-style: chr13-32332803-C-T. GRCh37 (hg19) VCF-style: chr13-32906940-C-T.
Other names: short protein forms S442L.
Identifiers: ClinVar variation 51101 (VCV000051101.8), dbSNP rs80358421, ClinGen allele CA011613.
Genomic context (GRCh38, chr13:32,332,803, plus strand): 5'-ATATTTCAGAAAAAGACCTATTAGACACAGAGAACAAAAGAAAGAAAGATTTTCTTACTT[C>T]AGAGAATTCTTTGCCACGTATTTCTAGCCTACCAAAATCAGAGAAGCCATTAAATGAGGA-3'
Protein context (NP_000050.3, residues 432-452): ENKRKKDFLT[Ser442Leu]ENSLPRISSL